The following is an entry in ClinVar:

NM_001288705.3(CSF1R):c.1327G>A (p.Glu443Lys)

Gene: CSF1R (colony stimulating factor 1 receptor; minus strand). Cytogenetic location: 5q32.
Variant type: single nucleotide variant.
Coding change: c.1327G>A on transcript NM_001288705.3 (MANE Select); coding-DNA position 1327, G replaced by A.
Protein change: p.Glu443Lys; replaces glutamic acid 443 with lysine.
Molecular consequence: missense variant. On other transcripts: non-coding transcript variant (2).
Genome position (GRCh38, 1-based): chr5:150,070,056, C>T on the plus strand (G>A on the coding strand, the complement: CSF1R is on the minus strand). VCF-style: chr5-150070056-C-T. GRCh37 (hg19) VCF-style: chr5-149449619-C-T.
Other names: c.1327G>A, p.Glu443Lys (NM_001349736.2, NM_001375320.1, NM_005211.4); c.883G>A, p.Glu295Lys (NM_001375321.1); short protein forms E443K, E295K.
Identifiers: ClinVar variation 4748817 (VCV004748817.1).

ClinVar aggregate classification (germline): Uncertain significance (1 of 4 stars; one submission).

gnomAD v4.1: 3 of 1,613,732 alleles (0.00019%); highest among the groups gnomAD compares: Admixed American, 0.0033%; no homozygotes.

Submission:

Labcorp Genetics (formerly Invitae), Labcorp
Classification: Uncertain significance. Last evaluated: 2025-10-05. Review status: criteria provided, single submitter. Criteria: Invitae Variant Classification Sherloc (09022015). Collection method: clinical testing. Allele origin: germline.
Comment: This sequence change replaces glutamic acid, which is acidic and polar, with lysine, which is basic and polar, at codon 443 of the CSF1R protein (p.Glu443Lys). This variant is present in population databases (rs769742792, gnomAD 0.006%). This variant has not been reported in the literature in individuals affected with CSF1R-related conditions. Invitae Evidence Modeling of protein sequence and biophysical properties (such as structural, functional, and spatial information, amino acid conservation, physicochemical variation, residue mobility, and thermodynamic stability) indicates that this missense variant is not expected to disrupt CSF1R protein function with a negative predictive value of 95%. In summary, the available evidence is currently insufficient to determine the role of this variant in disease. Therefore, it has been classified as a Variant of Uncertain Significance.